The following is an entry in ClinVar:

NM_001278512.2(AP3B2):c.2803G>A (p.Gly935Ser)

Genes: AP3B2 (adaptor related protein complex 3 subunit beta 2; minus strand), CPEB1-AS1 (CPEB1 antisense RNA 1; plus strand). Cytogenetic location: 15q25.2.
Variant type: single nucleotide variant.
Coding change: c.2803G>A on transcript NM_001278512.2 (MANE Select); coding-DNA position 2803, G replaced by A.
Protein change: p.Gly935Ser; replaces glycine 935 with serine.
Molecular consequence: missense variant.
Genome position (GRCh38, 1-based): chr15:82,662,724, C>T on the plus strand (G>A on the coding strand, the complement: AP3B2 is on the minus strand). VCF-style: chr15-82662724-C-T. GRCh37 (hg19) VCF-style: chr15-83331476-C-T.
Other names: c.2650G>A, p.Gly884Ser (NM_001278511.2); c.2746G>A, p.Gly916Ser (NM_004644.5); short protein forms G884S, G935S, G916S.
Identifiers: ClinVar variation 2019405 (VCV002019405.4), dbSNP rs2548695017, ClinGen allele CA393308137.
Genomic context (GRCh38, chr15:82,662,724, plus strand): 5'-CTCCTCCACCCCATCCAAAGCCCTTCGCACCAATTTCGGGAAATTCTTGGATGCTGATGC[C>T]AGCAGGCAGTTTGGGAGTGCCCACATGCAGGCCCTTGATGGGGGTATCAGAGCTGTTGGA-3'
Protein context (NP_001265441.1, residues 925-945): LHVGTPKLPA[Gly935Ser]ISIQEFPEIE

ClinVar aggregate classification (germline): Uncertain significance (1 of 4 stars; one submission).

Allele frequency attached by ClinVar (database versions not stated): gnomAD exomes below 0.00001.

Submission:

Labcorp Genetics (formerly Invitae), Labcorp
Classification: Uncertain significance. Last evaluated: 2023-05-22. Review status: criteria provided, single submitter. Criteria: Invitae Variant Classification Sherloc (09022015). Collection method: clinical testing. Allele origin: germline.
Comment: In summary, the available evidence is currently insufficient to determine the role of this variant in disease. Therefore, it has been classified as a Variant of Uncertain Significance. An algorithm developed to predict the effect of missense changes on protein structure and function (PolyPhen-2) suggests that this variant is likely to be disruptive. ClinVar contains an entry for this variant (Variation ID: 2019405). This variant has not been reported in the literature in individuals affected with AP3B2-related conditions. This variant is not present in population databases (gnomAD no frequency). This sequence change replaces glycine, which is neutral and non-polar, with serine, which is neutral and polar, at codon 916 of the AP3B2 protein (p.Gly916Ser).